The following is an entry in ClinVar:

ClinVar aggregate classification (germline): Uncertain significance (1 of 4 stars; one submission).

Conditions:
Neurofibromatosis, type 1 (NF1). Also called: VON RECKLINGHAUSEN DISEASE; NEUROFIBROMATOSIS, TYPE I, SOMATIC; Peripheral type neurofibromatosis; Neurofibromatosis, type I. Identifiers: Orphanet 636, MedGen C0027831, MONDO:0018975, OMIM 162200. Disease mechanism: loss of function.

Submission:

Labcorp Genetics (formerly Invitae), Labcorp
Classification: Uncertain significance for Neurofibromatosis, type 1. Last evaluated: 2022-05-01. Review status: criteria provided, single submitter. Criteria: Invitae Variant Classification Sherloc (09022015). Collection method: clinical testing. Allele origin: germline.
Comment: In summary, the available evidence is currently insufficient to determine the role of this variant in disease. Therefore, it has been classified as a Variant of Uncertain Significance. Algorithms developed to predict the effect of missense changes on protein structure and function are either unavailable or do not agree on the potential impact of this missense change (SIFT: "Tolerated"; PolyPhen-2: "Probably Damaging"; Align-GVGD: "Class C0"). ClinVar contains an entry for this variant (Variation ID: 1046096). This variant has not been reported in the literature in individuals affected with NF1-related conditions. This variant is not present in population databases (gnomAD no frequency). This sequence change replaces aspartic acid, which is acidic and polar, with asparagine, which is neutral and polar, at codon 2325 of the NF1 protein (p.Asp2325Asn).

NM_001042492.3(NF1):c.7036G>A (p.Asp2346Asn)

Gene: NF1 (neurofibromin 1; plus strand). Cytogenetic location: 17q11.2.
Variant type: single nucleotide variant.
Coding change: c.7036G>A on transcript NM_001042492.3 (MANE Select); coding-DNA position 7036, G replaced by A.
Protein change: p.Asp2346Asn; replaces aspartic acid 2346 with asparagine.
Molecular consequence: missense variant.
Genome position (GRCh38, 1-based): chr17:31,340,619, G>A. VCF-style: chr17-31340619-G-A. GRCh37 (hg19) VCF-style: chr17-29667637-G-A.
Other names: c.6973G>A, p.Asp2325Asn (NM_000267.4); short protein forms D2325N, D2346N.
Identifiers: ClinVar variation 1046096 (VCV001046096.5), dbSNP rs2069793959, ClinGen allele CA399015141.